The following is an entry in ClinVar:

ClinVar aggregate classification (germline): Uncertain significance (1 of 4 stars; one submission).

Conditions:
BBS7-related disorder. Also called: BBS7-related condition.

gnomAD v4.1: 2 of 1,610,676 alleles (0.00012%); highest among the groups gnomAD compares: African/African-American, 0.0027%; no homozygotes.

Submission:

PreventionGenetics, part of Exact Sciences
Classification: Uncertain significance for BBS7-related condition. Last evaluated: 2026-03-20. Review status: criteria provided, single submitter. Criteria: ACMG Guidelines, 2015. Collection method: clinical testing. Allele origin: germline.
Comment: The BBS7 c.2070A>T variant is predicted to result in the amino acid substitution p.Lys690Asn. To our knowledge, this variant has not been reported in the literature. This variant is reported in 0.011% of alleles in individuals of African descent in gnomAD. At this time, the clinical significance of this variant is uncertain due to the absence of conclusive functional and genetic evidence.

NM_176824.3(BBS7):c.2070A>T (p.Lys690Asn)

Gene: BBS7 (Bardet-Biedl syndrome 7; minus strand). Cytogenetic location: 4q27.
Variant type: single nucleotide variant.
Coding change: c.2070A>T on transcript NM_176824.3 (MANE Select); coding-DNA position 2070, A replaced by T.
Protein change: p.Lys690Asn; replaces lysine 690 with asparagine.
Molecular consequence: missense variant.
Genome position (GRCh38, 1-based): chr4:121,825,938, T>A on the plus strand (A>T on the coding strand, the complement: BBS7 is on the minus strand). VCF-style: chr4-121825938-T-A. GRCh37 (hg19) VCF-style: chr4-122747093-T-A.
Other names: short protein forms K690N.
Identifiers: ClinVar variation 4983425 (VCV004983425.1).